The following is an entry in ClinVar:

NM_001166108.2(PALLD):c.1433G>C (p.Gly478Ala)

Gene: PALLD (palladin, cytoskeletal associated protein; plus strand). Cytogenetic location: 4q32.3.
Variant type: single nucleotide variant.
Coding change: c.1433G>C on transcript NM_001166108.2 (MANE Select); coding-DNA position 1433, G replaced by C.
Protein change: p.Gly478Ala; replaces glycine 478 with alanine.
Molecular consequence: missense variant.
Genome position (GRCh38, 1-based): chr4:168,690,700, G>C. VCF-style: chr4-168690700-G-C. GRCh37 (hg19) VCF-style: chr4-169611851-G-C.
Other names: c.287G>C, p.Gly96Ala (NM_001166109.2); c.1433G>C, p.Gly478Ala (NM_016081.4); short protein forms G478A, G96A.
Identifiers: ClinVar variation 3413621 (VCV003413621.1).

ClinVar aggregate classification (germline): Uncertain significance (1 of 4 stars; one submission).

gnomAD v4.1: 6 of 1,614,136 alleles (0.00037%); highest among the groups gnomAD compares: Non-Finnish European, 0.00051%; no homozygotes.

Submission:

Ambry Genetics
Classification: Uncertain significance. Last evaluated: 2024-09-15. Review status: criteria provided, single submitter. Criteria: Ambry Variant Classification Scheme 2023. Collection method: clinical testing. Allele origin: germline.
Comment: The p.G478A variant (also known as c.1433G>C), located in coding exon 6 of the PALLD gene, results from a G to C substitution at nucleotide position 1433. The glycine at codon 478 is replaced by alanine, an amino acid with similar properties. This amino acid position is conserved. In addition, the in silico prediction for this alteration is inconclusive. Based on the available evidence, the clinical significance of this variant remains unclear.